The following is an entry in ClinVar:

ClinVar aggregate classification (germline): Pathogenic. Review status: reviewed by expert panel (3 of 4 stars). 2 submissions from 2 submitters: Pathogenic (1). 1 of the submissions does not count toward it. Last evaluated 2025-01-15.

Conditions:
Hereditary thrombocytopenia and hematological cancer predisposition syndrome associated with RUNX1. Also called: Familial Platelet Disorder with Propensity to Acute Myelogenous Leukemia; Familial thrombocytopenia with propensity to acute myelogenous leukemia; PLATELET DISORDER, ASPIRIN-LIKE; RUNX1 Familial Platelet Disorder with Associated Myeloid Malignancies. Identifiers: Orphanet 71290, MedGen C1832388, MeSH C563324, MONDO:0100083, OMIM 601399.
Acute myeloid leukemia (AML). Also called: Acute myeloid leukemia, adult; AML adult; Acute non-lymphocytic leukemia; Acute granulocytic leukemia; Leukemia, acute myeloid, somatic; Leukemia, acute myelogenous, somatic. Identifiers: Orphanet 519, MedGen C0023467, MeSH D015470, MONDO:0018874, OMIM 601626, HP:0004808. Disease mechanism: Constitutively activated FLT3.
Hereditary thrombocytopenia and hematologic cancer predisposition syndrome. Identifiers: Orphanet 71290, MedGen CN281654, MONDO:0011071.

Submissions (2):

ClinGen Myeloid Malignancy Variant Curation Expert Panel
Classification: Pathogenic for Hereditary thrombocytopenia and hematologic cancer predisposition syndrome. Last evaluated: 2025-01-15. Review status: reviewed by expert panel. Criteria: ClinGen MyeloMalig ACMG Specifications v2. Collection method: curation. Allele origin: germline. Inheritance: Autosomal dominant inheritance.
Comment: NM_001754.5(RUNX1):c.386dup (p.Val130GlyfsTer8) is a frameshift variant which results in an exon deletion that is predicted to undergo nonsense mediated decay(PVS1). This frameshift occurs after c.98 (PM5_supporting). This variant is completely absent from all population databases with at least 20x coverage for RUNX1 in gnomAD v2.1.1 and v3.1.2 (PM2_supporting). In summary, this variant meets criteria to be classified as pathogenic. ACMG/AMP criteria applied, as specified by the Myeloid Malignancy Variant Curation Expert Panel for RUNX1: PVS1, PM5_supporting, PM2_supporting.

Center for Genomics, Ann and Robert H. Lurie Children's Hospital of Chicago
Classification: Pathogenic for Hereditary thrombocytopenia and hematological cancer predisposition syndrome associated with RUNX1; Acute myeloid leukemia. Review status: criteria provided, single submitter. Criteria: ACMG Guidelines, 2015. Collection method: clinical testing. Allele origin: germline. Not counted in ClinVar's aggregate classification.
Comment: This variant has not been reported in the literature and is not present in large control databases. Evolutionary conservation and computational predictive tools for this variant are limited or unavailable. This variant creates a premature stop codon 8 amino acids downstream from this location which results in an absent or abnormal protein; loss of function variants are a known mechanism of disease for this gene (Luo 2019 PMID:31648317). In summary, this variant is classified as pathogenic

NM_001754.5(RUNX1):c.386dup (p.Val130fs)

Genes: RUNX1 (RUNX family transcription factor 1; minus strand), RUNX1-AS1 (RUNX1 antisense RNA 1; plus strand). Cytogenetic location: 21q22.12.
Variant type: Duplication.
Coding change: c.386dup on transcript NM_001754.5 (MANE Select); coding-DNA position 386, one base duplicated (T; older notation c.386dupT).
Protein change: p.Val130fs; shifts the reading frame from valine 130.
Molecular consequence: frameshift variant.
Genome position (GRCh38, 1-based): chr21:34,880,679, A duplicated on the plus strand (T on the coding strand, the reverse complement: RUNX1 is on the minus strand). VCF-style (leftmost placement, unchanged base first): chr21-34880678-C-CA. GRCh37 (hg19) VCF-style: chr21-36252975-C-CA.
Other names: NM_001754.5(RUNX1):c.386dup; p.Val130fs; c.305dup, p.Val103fs (NM_001001890.3, NM_001122607.2); short protein forms V103fs, V130fs.
Identifiers: ClinVar variation 2501756 (VCV002501756.4), dbSNP rs2517440416, ClinGen allele CA2580616389.